The following is an entry in ClinVar:

NM_000368.5(TSC1):c.509-17A>G

Gene: TSC1 (TSC complex subunit 1; minus strand). Cytogenetic location: 9q34.13.
Variant type: single nucleotide variant.
Coding change: c.509-17A>G on transcript NM_000368.5 (MANE Select); 17 bases into the intron before coding-DNA position 509, A replaced by G.
Molecular consequence: intron variant.
Genome position (GRCh38, 1-based): chr9:132,921,990, T>C on the plus strand (A>G on the coding strand, the complement: TSC1 is on the minus strand). VCF-style: chr9-132921990-T-C. GRCh37 (hg19) VCF-style: chr9-135797377-T-C.
Other names: c.509-17A>G (NM_001406602.1, NM_001406606.1, NM_001406592.1 and 16 more transcripts); c.146-17A>G (NM_001406619.1, NM_001406622.1, NM_001362177.2 and 10 more transcripts); c.356-17A>G (NM_001406611.1, NM_001162427.2, NM_001406613.1 and 2 more transcripts); c.-369-17A>G (NM_001406628.1, NM_001406626.1, NM_001406627.1); c.-585-17A>G (NM_001406630.1); c.-511-17A>G (NM_001406629.1).
Identifiers: ClinVar variation 2995056 (VCV002995056.3), dbSNP rs2132163488, ClinGen allele CA2692291008.

ClinVar aggregate classification (germline): Uncertain significance (1 of 4 stars; one submission).

Conditions:
Tuberous sclerosis 1 (TSC1). Identifiers: Orphanet 805, MedGen C1854465, MONDO:0008612, OMIM 191100.

Allele frequency attached by ClinVar (database versions not stated): gnomAD exomes below 0.00001.
gnomAD v4.1: 3 of 1,614,028 alleles (0.00019%); highest among the groups gnomAD compares: Non-Finnish European, 0.00025%; no homozygotes.

Submission:

Labcorp Genetics (formerly Invitae), Labcorp
Classification: Uncertain significance for Tuberous sclerosis 1. Last evaluated: 2025-10-01. Review status: criteria provided, single submitter. Criteria: Invitae Variant Classification Sherloc (09022015). Collection method: clinical testing. Allele origin: germline.
Comment: This sequence change falls in intron 6 of the TSC1 gene. It does not directly change the encoded amino acid sequence of the TSC1 protein. This variant is not present in population databases (gnomAD no frequency). This variant has not been reported in the literature in individuals affected with TSC1-related conditions. ClinVar contains an entry for this variant (Variation ID: 2995056). Algorithms developed to predict the effect of sequence changes on RNA splicing suggest that this variant may disrupt the consensus splice site. In summary, the available evidence is currently insufficient to determine the role of this variant in disease. Therefore, it has been classified as a Variant of Uncertain Significance.